The following is an entry in ClinVar:

NM_000053.4(ATP7B):c.-676A>G

Genes: ALG11 (ALG11 alpha-1,2-mannosyltransferase; plus strand), ATP7B (ATPase copper transporting beta; minus strand). Cytogenetic location: 13q14.3.
Variant type: single nucleotide variant.
Coding change: c.-676A>G on transcript NM_000053.4 (MANE Select); 676 bases upstream of the start codon, A replaced by G.
Molecular consequence: genic upstream transcript variant. On other transcripts: intron variant (9).
Genome position (GRCh38, 1-based): chr13:52,012,013, T>C on the plus strand (A>G on the coding strand, the complement: ATP7B is on the minus strand). VCF-style: chr13-52012013-T-C. GRCh37 (hg19) VCF-style: chr13-52586149-T-C.
Other names: c.-55+7A>G (NM_001406541.1, NM_001406531.1, NM_001406527.1 and 4 more transcripts); c.-184+7A>G (NM_001406543.1); c.-239+7A>G (NM_001406528.1).
Identifiers: ClinVar variation 393099 (VCV000393099.29), dbSNP rs1021025464, ClinGen allele CA16606745.

ClinVar aggregate classification (germline): Conflicting classifications of pathogenicity. Review status: criteria provided, conflicting classifications (1 of 4 stars). 11 submissions from 11 submitters: Pathogenic (4); Likely pathogenic (5); Uncertain significance (1). 1 of the submissions does not count toward it. Last evaluated 2026-09-04.

Conditions:
ATP7B-related disorder. Also called: ATP7B-related condition.
Wilson disease (WND). Also called: Wilson's disease. Identifiers: Orphanet 905, MedGen C0019202, MONDO:0010200, OMIM 277900. Disease mechanism: loss of function.

Allele frequency attached by ClinVar (database versions not stated): gnomAD 0.00006 and 0.00011; TOPMed 0.00010.
gnomAD v4.1: 73 of 361,732 alleles (0.02%); highest among the groups gnomAD compares: East Asian, 0.14%; no homozygotes.

Submissions (11):

PreventionGenetics, part of Exact Sciences
Classification: Likely pathogenic for ATP7B-related condition. Last evaluated: 2026-09-04. Review status: criteria provided, single submitter. Criteria: ACMG Guidelines, 2015. Collection method: clinical testing. Allele origin: germline.
Comment: The ATP7B c.-676A>G variant is located in the 5' untranslated region. This variant is also referred to as chr13:g.52,586,149T>C (NC_000013.10, hg19) in the literature. It has been reported in the homozygous state in two individuals with Wilson disease (Chen et al. 2018. PubMed ID: 30087448; Lu et al. 2014. PubMed ID: 24878384, Table 2, Patient WD001). However, one of these individuals harbored multiple additional variants in ATP7B (Lu et al. 2014. PubMed ID: 24878384, Table 2, Patient WD001).  This variant has also been reported in additional individuals with Wilson Disease; however, clinical details were not provided  (Lu et al. 2014. PubMed ID: 24878384, Table 2; Mukherjee et al. 2014. PubMed ID: 24094725). Functional assessment using luciferase promoter-reporter assays indicate that this variant leads to a decrease in reporter expression (Mukherjee et al. 2014. PubMed ID: 24094725, Figure 2; Chen et al. 2018. PubMed ID: 30087448, Figure 2). This variant has been reported 5 times among ~31,000 alleles (~0.02%) in a large population database, and is interpreted as uncertain significance, likely pathogenic, and pathogenic in ClinVar. Based on these observations, the c.-676A>G variant is interpreted as likely pathogenic.

Natera, Inc.
Classification: Pathogenic for Wilson disease. Last evaluated: 2026-01-14. Review status: criteria provided, single submitter. Criteria: Natera Variant Classification Schema (03/2026). Collection method: clinical testing. Allele origin: germline.
Comment: The c.-676A>G variant in ATP7B, also known as NC_000013.11:g.52012013T>C, is a 5' untranslated region (UTR) variant located upstream of the translation start codon. This variant is rare in the general population with a frequency below the threshold expected for the associated phenotype(s). This variant has been observed in one or more individuals affected with the associated recessive disease, as either homozygous or compound heterozygous with a second variant (PMID: 30087448). Functional studies show that this variant may disrupt protein function (PMID: 24094725). Given the available evidence, this variant is classified as Pathogenic.

Variantyx, Inc.
Classification: Pathogenic for Wilson disease. Last evaluated: 2025-07-29. Review status: criteria provided, single submitter. Criteria: Variantyx Assertion Criteria 2022. Collection method: clinical testing. Allele origin: germline. Inheritance: Autosomal recessive inheritance. Affected: no.
Comment: This variant is located in a non-coding region upstream to the ATP7B gene (OMIM: 606882). Pathogenic variants in this gene have been associated with autosomal recessive Wilson disease. The alteration has been reported in the homozygous or compound heterozygous state in many unrelated affected individuals (PMID: 24094725, 30087448) (PM3) and functional studies have shown that this variant alters ATP7B protein function (PMID: 24094725, 30087448) (PS3_Moderate). The maximum allele frequency in non-founder control populations is 0.1926% (PM2). Based on the current evidence, this variant is classified as pathogenic for autosomal recessive Wilson disease.

Color Diagnostics, LLC DBA Color Health
Classification: Likely pathogenic for Wilson disease. Last evaluated: 2025-05-28. Review status: criteria provided, single submitter. Criteria: ACMG Guidelines, 2015. Collection method: clinical testing. Allele origin: germline.
Comment: This variant is located in the 5' untranslated region of the ATP7B gene. In vitro studies showed that this variant disrupted a metal regulatory transcription factor 1 (MTF1) binding site, reduced promoter activity, and diminished expression of ATP7B in response to copper intake (PMID: 24094725, 30087448). This variant has been observed in homozygosity or compound heterozygosity with a second pathogenic variant in over a dozen individuals affected with autosomal recessive Wilson disease (PMID: 24094725, 24878384, 30087448ClinVar Accession: SCV000952513.7, SCV000732048.2), indicating that this variant contributes to disease. This variant has been identified in 5/31402 chromosomes in the general population by the Genome Aggregation Database (gnomAD). Based on the available evidence, this variant is classified as Likely Pathogenic.

Labcorp Genetics (formerly Invitae), Labcorp
Classification: Pathogenic for Wilson disease. Last evaluated: 2025-02-05. Review status: criteria provided, single submitter. Criteria: Invitae Variant Classification Sherloc (09022015). Collection method: clinical testing. Allele origin: germline.
Comment: This variant occurs in a non-coding region of the ATP7B gene. It does not change the encoded amino acid sequence of the ATP7B protein. This variant is present in population databases (no rsID available, gnomAD 0.3%). This variant has been observed in individual(s) with Wilson disease (PMID: 24094725, 30087448; internal data). In at least one individual the data is consistent with being in trans (on the opposite chromosome) from a pathogenic variant. ClinVar contains an entry for this variant (Variation ID: 393099). Algorithms developed to predict the effect of variants on gene product structure and function are not available or were not evaluated for this variant. Experimental studies have shown that this variant affects ATP7B function (PMID: 24094725, 30087448). For these reasons, this variant has been classified as Pathogenic.

GeneDx
Classification: Uncertain significance. Last evaluated: 2024-12-11. Review status: criteria provided, single submitter. Criteria: GeneDx Variant Classification Process June 2021. Collection method: clinical testing. Allele origin: germline. Affected: yes.
Comment: Functional analysis in one study found that c.-676 A>G was associated with some reduction in promotor activity, however the significance of this is unclear (PMID: 30087448, 24094725); This variant is associated with the following publications: (PMID: 24094725, 33971252, 30087448, 24878384)

Revvity Omics, Revvity
Classification: Likely pathogenic for Wilson disease. Last evaluated: 2024-05-02. Review status: criteria provided, single submitter. Criteria: ACMG Guidelines, 2015. Collection method: clinical testing. Allele origin: germline.

Mayo Clinic Laboratories, Mayo Clinic
Classification: Likely pathogenic. Last evaluated: 2023-02-02. Review status: criteria provided, single submitter. Criteria: ACMG Guidelines, 2015. Collection method: clinical testing. Allele origin: germline. Observed: 1 variant allele.
Comment: PM3, PS3, PS4_moderate

Women's Health and Genetics/Laboratory Corporation of America, LabCorp
Classification: Pathogenic for Wilson disease. Last evaluated: 2022-11-04. Review status: criteria provided, single submitter. Criteria: LabCorp Variant Classification Summary - May 2015. Collection method: clinical testing. Allele origin: germline.
Comment: Variant summary: ATP7B c.-676A>G is located in the untranscribed region upstream of the ATP7B gene region. The variant allele was found at a frequency of 0.00016 in 31402 control chromosomes (gnomAD). c.-676A>G has been reported in the literature in multiple individuals affected with Wilson Disease (examples: Mukherjee_2014 and Lu_2014). These data indicate that the variant is very likely to be associated with disease. Functional analysis have demonstrated that c.-676A>G reduced promotor activity, however, this report does not allow convincing conclusions about the variant effect in vivo (Mukherjee_2014). Four clinical diagnostic laboratories have submitted clinical-significance assessments for this variant to ClinVar after 2014 and classified the variant as pathogenic/likely pathogenic (n=3) and VUS (n=1). Based on the evidence outlined above, the variant was classified as pathogenic.

Gill Bejerano Lab, Stanford University
Classification: Likely pathogenic for Wilson disease. Last evaluated: 2018-03-27. Review status: criteria provided, single submitter. Criteria: ACMG Guidelines, 2015. Collection method: research, in vitro. Allele origin: inherited, not applicable. Inheritance: Autosomal recessive inheritance. Affected: yes. Observed: 1 variant allele, 1 homozygote. Functional consequence: effect on regulatory function of DNA.
Comment: The variant chr13:g.52,586,149T>C (NC_000013.9), is positioned 676 bases upstream of the annotated canonical translation start site of ATP7B, in the proximal promoter. It has also been observed as heterozygous in 5 East Asian individuals in the Genome Aggregation Database (Lek 2016). The variant chr13:g.52,586,149T>C has previously been observed in heterozygosity in one Chinese (Lu 2014) and ten Indian individuals with Wilson Disease (Mukherjee 2014). In these instances, chr13:g.52,586,149T>C was almost always identified in conjunction with one or more heterozygous ATP7B missense variants (with exceptions where no ATP7B coding variants were detected and yet only this promoter SNV was observed as heterozygous). In vitro studies indicate that chr13:g.52,586,149T>C reduces ATP7B promoter activity, likely through disruption of a metal regulatory transcription factor 1 (MTF1) binding site.

Counsyl
Classification: Likely pathogenic for Wilson disease. Last evaluated: 2019-07-29. Review status: no assertion criteria provided. Collection method: clinical testing. Allele origin: unknown. Not counted in ClinVar's aggregate classification.

Literature cited by the submitters: PubMed 30087448 (cited by 6 submitters); PubMed 24094725 (cited by 8 submitters); PubMed 31449670 (cited by Variantyx, Inc.); PubMed 24878384 (cited by 5 submitters); PubMed 34404389 (cited by Mayo Clinic Laboratories, Mayo Clinic); PubMed 27535533 (cited by Gill Bejerano Lab, Stanford University); PubMed 23382538 (cited by Gill Bejerano Lab, Stanford University); PubMed 22955616 (cited by Gill Bejerano Lab, Stanford University).